The following is an entry in ClinVar:

NM_015662.3(IFT172):c.1972C>T (p.Arg658Ter)

Gene: IFT172 (intraflagellar transport 172; minus strand). Cytogenetic location: 2p23.3.
Variant type: single nucleotide variant.
Coding change: c.1972C>T on transcript NM_015662.3 (MANE Select); coding-DNA position 1972, C replaced by T.
Protein change: p.Arg658Ter; replaces arginine 658 with a stop codon.
Molecular consequence: nonsense.
Genome position (GRCh38, 1-based): chr2:27,463,147, G>A on the plus strand (C>T on the coding strand, the complement: IFT172 is on the minus strand). VCF-style: chr2-27463147-G-A. GRCh37 (hg19) VCF-style: chr2-27686014-G-A.
Other names: c.1906C>T, p.Arg636Ter (NM_001410739.1); short protein forms R658*, R636*.
Identifiers: ClinVar variation 2930886 (VCV002930886.3), dbSNP rs1553329745, ClinGen allele CA346385334.

ClinVar aggregate classification (germline): Pathogenic (1 of 4 stars; one submission).

Conditions:
Short-rib thoracic dysplasia 10 with or without polydactyly (SRTD10). Identifiers: Orphanet 474, MedGen C3810175, MONDO:0014284, OMIM 615630.
Retinitis pigmentosa 71 (RP71). Identifiers: Orphanet 791, MedGen C4225342, MONDO:0014618, OMIM 616394.

Allele frequency attached by ClinVar (database versions not stated): gnomAD 0.00001.
gnomAD v4.1: 2 of 1,613,972 alleles (0.00012%); highest among the groups gnomAD compares: Non-Finnish European, 0.00017%; no homozygotes.

Submission:

Labcorp Genetics (formerly Invitae), Labcorp
Classification: Pathogenic for Retinitis pigmentosa 71; Short-rib thoracic dysplasia 10 with or without polydactyly. Last evaluated: 2023-07-17. Review status: criteria provided, single submitter. Criteria: Invitae Variant Classification Sherloc (09022015). Collection method: clinical testing. Allele origin: germline.
Comment: This sequence change creates a premature translational stop signal (p.Arg658*) in the IFT172 gene. It is expected to result in an absent or disrupted protein product. Loss-of-function variants in IFT172 are known to be pathogenic (PMID: 24140113). This variant is not present in population databases (gnomAD no frequency). This variant has not been reported in the literature in individuals affected with IFT172-related conditions. Algorithms developed to predict the effect of sequence changes on RNA splicing suggest that this variant may disrupt the consensus splice site. For these reasons, this variant has been classified as Pathogenic.

Literature cited by the submitters: PubMed 24140113.